The following is an entry in ClinVar:

NM_000142.5(FGFR3):c.660C>A (p.Pro220=)

Gene: FGFR3 (fibroblast growth factor receptor 3; plus strand). Cytogenetic location: 4p16.3.
Variant type: single nucleotide variant.
Coding change: c.660C>A on transcript NM_000142.5 (MANE Select); coding-DNA position 660, C replaced by A.
Protein change: p.Pro220=; no amino-acid change (proline 220 retained).
Molecular consequence: synonymous variant. On other transcripts: non-coding transcript variant (1).
Genome position (GRCh38, 1-based): chr4:1,801,664, C>A. VCF-style: chr4-1801664-C-A. GRCh37 (hg19) VCF-style: chr4-1803391-C-A.
Other names: c.660C>A, p.Pro220= (NM_001163213.2, NM_001354809.2, NM_001354810.2 and 1 more transcripts).
Identifiers: ClinVar variation 703082 (VCV000703082.9), dbSNP rs146927248, ClinGen allele CA2809913.

ClinVar aggregate classification (germline): Likely benign. Review status: criteria provided, multiple submitters, no conflicts (2 of 4 stars). 3 submissions from 3 submitters: Likely benign (2). 1 of the submissions does not count toward it. Last evaluated 2025-10-06.

Conditions:
FGFR3-related disorder. Also called: FGFR3-related disorders.

Allele frequency attached by ClinVar (database versions not stated): gnomAD 0.00005 and 0.00007; TOPMed 0.00011; ESP Exome Variant Server 0.00023.
gnomAD v4.1: 17 of 1,611,346 alleles (0.0011%); highest among the groups gnomAD compares: African/African-American, 0.021%; no homozygotes.

Submissions (3):

Labcorp Genetics (formerly Invitae), Labcorp
Classification: Likely benign. Last evaluated: 2025-10-06. Review status: criteria provided, single submitter. Criteria: Invitae Variant Classification Sherloc (09022015). Collection method: clinical testing. Allele origin: germline.

Blueprint Genetics
Classification: Likely benign. Last evaluated: 2021-08-25. Review status: criteria provided, single submitter. Criteria: ACMG Guidelines, 2015. Collection method: clinical testing. Allele origin: germline.

PreventionGenetics, part of Exact Sciences
Classification: Likely benign for FGFR3-related condition. Last evaluated: 2024-05-29. Review status: no assertion criteria provided. Collection method: clinical testing. Allele origin: germline. Not counted in ClinVar's aggregate classification.
Comment: This variant is classified as likely benign based on ACMG/AMP sequence variant interpretation guidelines (Richards et al. 2015 PMID: 25741868, with internal and published modifications).